The following is an entry in ClinVar:

NM_001111.5(ADAR):c.559A>G (p.Lys187Glu)

Gene: ADAR (adenosine deaminase RNA specific; minus strand). Cytogenetic location: 1q21.3.
Variant type: single nucleotide variant.
Coding change: c.559A>G on transcript NM_001111.5 (MANE Select); coding-DNA position 559, A replaced by G.
Protein change: p.Lys187Glu; replaces lysine 187 with glutamic acid.
Molecular consequence: missense variant. On other transcripts: 5 prime UTR variant (6).
Genome position (GRCh38, 1-based): chr1:154,602,083, T>C on the plus strand (A>G on the coding strand, the complement: ADAR is on the minus strand). VCF-style: chr1-154602083-T-C. GRCh37 (hg19) VCF-style: chr1-154574559-T-C.
Other names: c.-327A>G (NM_001025107.3, NM_001193495.2, NM_001365046.1 and 3 more transcripts); c.586A>G, p.Lys196Glu (NM_001365045.1); c.559A>G, p.Lys187Glu (NM_015840.4, NM_015841.4); short protein forms K187E, K196E.
Identifiers: ClinVar variation 1431458 (VCV001431458.8), dbSNP rs1697919383, ClinGen allele CA342601324.

ClinVar aggregate classification (germline): Uncertain significance (1 of 4 stars; one submission).

Conditions:
Aicardi-Goutieres syndrome 6 (AGS6). Identifiers: Orphanet 51, MedGen C3539013, MONDO:0014007, OMIM 615010.
Symmetrical dyschromatosis of extremities (DSH). Also called: RETICULATE ACROPIGMENTATION OF DOHI; DYSCHROMATOSIS SYMMETRICA HEREDITARIA 1; SYMMETRIC DYSCHROMATOSIS OF THE EXTREMITIES; Dyschromatosis symmetrica hereditaria. Identifiers: Orphanet 41, MedGen C0406775, MONDO:0007483, OMIM 127400.

Allele frequency attached by ClinVar (database versions not stated): TOPMed below 0.00001.

Submission:

Labcorp Genetics (formerly Invitae), Labcorp
Classification: Uncertain significance for Aicardi-Goutieres syndrome 6; Symmetrical dyschromatosis of extremities. Last evaluated: 2022-02-04. Review status: criteria provided, single submitter. Criteria: Invitae Variant Classification Sherloc (09022015). Collection method: clinical testing. Allele origin: germline.
Comment: In summary, the available evidence is currently insufficient to determine the role of this variant in disease. Therefore, it has been classified as a Variant of Uncertain Significance. Algorithms developed to predict the effect of missense changes on protein structure and function are either unavailable or do not agree on the potential impact of this missense change (SIFT: "Deleterious"; PolyPhen-2: "Possibly Damaging"; Align-GVGD: "Class C0"). This variant has not been reported in the literature in individuals affected with ADAR-related conditions. This variant is not present in population databases (gnomAD no frequency). This sequence change replaces lysine, which is basic and polar, with glutamic acid, which is acidic and polar, at codon 187 of the ADAR protein (p.Lys187Glu).